The following is an entry in ClinVar:

NM_152296.5(ATP1A3):c.1542G>C (p.Gln514His)

Gene: ATP1A3 (ATPase Na+/K+ transporting subunit alpha 3; minus strand). Cytogenetic location: 19q13.2.
Variant type: single nucleotide variant.
Coding change: c.1542G>C on transcript NM_152296.5 (MANE Select); coding-DNA position 1542, G replaced by C.
Protein change: p.Gln514His; replaces glutamine 514 with histidine.
Molecular consequence: missense variant.
Genome position (GRCh38, 1-based): chr19:41,978,694, C>G on the plus strand (G>C on the coding strand, the complement: ATP1A3 is on the minus strand). VCF-style: chr19-41978694-C-G. GRCh37 (hg19) VCF-style: chr19-42482846-C-G.
Other names: c.1575G>C, p.Gln525His (NM_001256213.2); c.1581G>C, p.Gln527His (NM_001256214.2); short protein forms Q527H, Q514H, Q525H.
Identifiers: ClinVar variation 2807439 (VCV002807439.3), dbSNP rs2514056533, ClinGen allele CA406046899.

ClinVar aggregate classification (germline): Uncertain significance (1 of 4 stars; one submission).

Conditions:
Dystonia 12 (DYT12). Also called: Rapid-Onset Dystonia-Parkinsonism (RDP); DYT-ATP1A3. Identifiers: Orphanet 71517, MedGen C1868681, MONDO:0007496, OMIM 128235.

Submission:

Labcorp Genetics (formerly Invitae), Labcorp
Classification: Uncertain significance for Dystonia 12. Last evaluated: 2022-11-02. Review status: criteria provided, single submitter. Criteria: Invitae Variant Classification Sherloc (09022015). Collection method: clinical testing. Allele origin: germline.
Comment: In summary, the available evidence is currently insufficient to determine the role of this variant in disease. Therefore, it has been classified as a Variant of Uncertain Significance. This sequence change replaces glutamine, which is neutral and polar, with histidine, which is basic and polar, at codon 514 of the ATP1A3 protein (p.Gln514His). This variant is not present in population databases (gnomAD no frequency). This variant has not been reported in the literature in individuals affected with ATP1A3-related conditions. Algorithms developed to predict the effect of missense changes on protein structure and function output the following: SIFT: "Tolerated"; PolyPhen-2: "Benign"; Align-GVGD: "Class C0". The histidine amino acid residue is found in multiple mammalian species, which suggests that this missense change does not adversely affect protein function.